The following is an entry in ClinVar:

ClinVar aggregate classification (germline): Uncertain significance (1 of 4 stars; one submission).

Allele frequency attached by ClinVar (database versions not stated): gnomAD exomes below 0.00001.
gnomAD v4.1: 4 of 1,604,938 alleles (0.00025%); highest among the groups gnomAD compares: East Asian, 0.0023%; no homozygotes.

Submission:

Labcorp Genetics (formerly Invitae), Labcorp
Classification: Uncertain significance. Last evaluated: 2025-09-02. Review status: criteria provided, single submitter. Criteria: Invitae Variant Classification Sherloc (09022015). Collection method: clinical testing. Allele origin: germline.
Comment: This sequence change replaces leucine, which is neutral and non-polar, with phenylalanine, which is neutral and non-polar, at codon 104 of the SUGCT protein (p.Leu104Phe). This variant is not present in population databases (gnomAD no frequency). This variant has not been reported in the literature in individuals affected with SUGCT-related conditions. ClinVar contains an entry for this variant (Variation ID: 2905662). Experimental studies and prediction algorithms are not available or were not evaluated, and the functional significance of this variant is currently unknown. In summary, the available evidence is currently insufficient to determine the role of this variant in disease. Therefore, it has been classified as a Variant of Uncertain Significance.

NM_001193313.2(SUGCT):c.289C>T (p.Leu97Phe)

Gene: SUGCT (succinyl-CoA:glutarate-CoA transferase; plus strand). Cytogenetic location: 7p14.1.
Variant type: single nucleotide variant.
Coding change: c.289C>T on transcript NM_001193313.2 (MANE Select); coding-DNA position 289, C replaced by T.
Protein change: p.Leu97Phe; replaces leucine 97 with phenylalanine.
Molecular consequence: missense variant.
Genome position (GRCh38, 1-based): chr7:40,188,557, C>T. VCF-style: chr7-40188557-C-T. GRCh37 (hg19) VCF-style: chr7-40228156-C-T.
Other names: c.289C>T, p.Leu97Phe (NM_001193311.2, NM_001193312.2, NM_024728.3); short protein forms L97F.
Identifiers: ClinVar variation 2905662 (VCV002905662.3), dbSNP rs945008885, ClinGen allele CA157719140.
Genomic context (GRCh38, chr7:40,188,557, plus strand): 5'-GCTGGTGATGATACACGAACTTGGGGGCCACCTTTTGTTGGGACAGAAAGTACATATTAT[C>T]TCAGTGTTAACCGAAATAAAAAAGTAAGAATATCATCCCTTTTTTGCTTTTTGTGTGTAA-3'
Protein context (NP_001180242.2, residues 87-107): PFVGTESTYY[Leu97Phe]SVNRNKKSIA